The following is an entry in ClinVar:

ClinVar aggregate classification (germline): Pathogenic (1 of 4 stars; one submission).

Conditions:
Cardiovascular phenotype. Identifiers: MedGen CN230736.
Hereditary cancer-predisposing syndrome. Also called: Neoplastic Syndromes, Hereditary; Tumor predisposition; Hereditary Cancer Syndrome; Hereditary neoplastic syndrome. Identifiers: Orphanet 140162, MedGen C0027672, MeSH D009386, MONDO:0015356.

Submission:

Ambry Genetics
Classification: Pathogenic for Cardiovascular phenotype; Hereditary cancer-predisposing syndrome. Last evaluated: 2026-04-29. Review status: criteria provided, single submitter. Criteria: Ambry Variant Classification Scheme 2023. Collection method: clinical testing. Allele origin: germline.
Comment: The c.607_608delTG pathogenic mutation, located in coding exon 7 of the LZTR1 gene, results from a deletion of two nucleotides at nucleotide positions 607 to 608, causing a translational frameshift with a predicted alternate stop codon (p.W203Dfs*56). This variant was reported in individual(s) with features consistent with LZTR1-related schwannomatosis (Ambry internal data). This alteration is expected to result in loss of function by premature protein truncation or nonsense-mediated mRNA decay. Loss-of-function variants in LZTR1 are related to an increased risk for schwannomas and autosomal recessive Noonan syndrome; however, such associations with autosomal dominant Noonan syndrome have not been observed (Piotrowski A et al. Nat Genet. 2014 Feb;46:182-7; Yamamoto GL et al. J Med Genet. 2015 Jun;52:413-21; Johnston JJ et al. Genet Med. 2018 10;20:1175-1185). Based on the supporting evidence, this variant is pathogenic for an increased risk of LZTR1-related schwannomatosis (SWN) and would be expected to cause autosomal recessive Noonan syndrome when present along with a second pathogenic or likely pathogenic variant on the other allele; however, the association of this variant with autosomal dominant Noonan syndrome is unlikely.

NM_006767.4(LZTR1):c.607_608del (p.Trp203fs)

Gene: LZTR1 (leucine zipper like post translational regulator 1; plus strand). Cytogenetic location: 22q11.21.
Variant type: Microsatellite.
Coding change: c.607_608del on transcript NM_006767.4 (MANE Select); coding-DNA positions 607 to 608, 2 bases deleted (TG; older notation c.607_608delTG).
Protein change: p.Trp203fs; shifts the reading frame from tryptophan 203.
Molecular consequence: frameshift variant.
Genome position (GRCh38, 1-based): chr22:20,989,638-20,989,639, TG deleted; deleting any 2 consecutive bases within chr22:20,989,636-20,989,639 gives the same sequence; the c. name uses the placement nearest the transcript's 3' end. VCF-style (leftmost placement, unchanged base first): chr22-20989635-ATG-A. GRCh37 (hg19) VCF-style: chr22-21343924-ATG-A.
Other names: short protein forms W203fs.
Identifiers: ClinVar variation 4859398 (VCV004859398.1).